The following is an entry in ClinVar:

NM_006904.7(PRKDC):c.82G>A (p.Ala28Thr)

Genes: PRKDC (protein kinase, DNA-activated, catalytic subunit; minus strand), LOC129929030 (ATAC-STARR-seq lymphoblastoid silent region 19177; plus strand). Cytogenetic location: 8q11.21.
Variant type: single nucleotide variant.
Coding change: c.82G>A on transcript NM_006904.7 (MANE Select); coding-DNA position 82, G replaced by A.
Protein change: p.Ala28Thr; replaces alanine 28 with threonine.
Molecular consequence: missense variant.
Genome position (GRCh38, 1-based): chr8:47,960,045, C>T on the plus strand (G>A on the coding strand, the complement: PRKDC is on the minus strand). VCF-style: chr8-47960045-C-T. GRCh37 (hg19) VCF-style: chr8-48872605-C-T.
Other names: c.82G>A, p.Ala28Thr (NM_001081640.2); short protein forms A28T.
Identifiers: ClinVar variation 1762826 (VCV001762826.2), dbSNP rs1273409117, ClinGen allele CA371142870.

ClinVar aggregate classification (germline): Uncertain significance (1 of 4 stars; one submission).

Submission:

Ambry Genetics
Classification: Uncertain significance. Last evaluated: 2022-07-02. Review status: criteria provided, single submitter. Criteria: Ambry Variant Classification Scheme 2023. Collection method: clinical testing. Allele origin: germline.
Comment: The p.A28T variant (also known as c.82G>A), located in coding exon 1 of the PRKDC gene, results from a G to A substitution at nucleotide position 82. The alanine at codon 28 is replaced by threonine, an amino acid with similar properties. This amino acid position is conserved. In addition, this alteration is predicted to be tolerated by in silico analysis. Since supporting evidence is limited at this time, the clinical significance of this alteration remains unclear.